The following is an entry in ClinVar:

ClinVar aggregate classification (germline): Likely pathogenic (1 of 4 stars; one submission).

Conditions:
Mitochondrial disease. Also called: Mitochondrial disorders; Mitochondrial disorder. Identifiers: Orphanet 68380, MedGen C0751651, MeSH D028361, MONDO:0044970.

Submission:

Genomenon, Inc
Classification: Likely pathogenic for Mitochondrial disease. Last evaluated: 2025-11-24. Review status: criteria provided, single submitter. Criteria: Genomenon Sequence Variant Interpretation Standards - Updated. Collection method: curation. Allele origin: germline. Affected: no.
Comment: TK2 p.Glu133Asp (c.399G>T) is a missense variant that changes the amino acid at residue 133 from Glutamic acid to Aspartic acid. This variant has not been reported in patients affected with a TK2-related phenotype in the published literature. Experimental studies have shown that this variant results in a significant reduction in catalytic activity as compared to wild type (34758700). TK2 p.Glu133Asp is located in a mutational hotspot and/or important functional domain. This variant is not present at a significant frequency in gnomAD. In conclusion, we classify TK2 p.Glu133Asp (c.399G>T) as a likely pathogenic variant.

Literature cited by the submitters: PubMed 34758700.

NM_004614.5(TK2):c.399G>T (p.Glu133Asp)

Gene: TK2 (thymidine kinase 2; minus strand). Cytogenetic location: 16q21.
Variant type: single nucleotide variant.
Coding change: c.399G>T on transcript NM_004614.5 (MANE Select); coding-DNA position 399, G replaced by T.
Protein change: p.Glu133Asp; replaces glutamic acid 133 with aspartic acid.
Molecular consequence: missense variant. On other transcripts: non-coding transcript variant (1).
Genome position (GRCh38, 1-based): chr16:66,529,044, C>A on the plus strand (G>T on the coding strand, the complement: TK2 is on the minus strand). VCF-style: chr16-66529044-C-A. GRCh37 (hg19) VCF-style: chr16-66562947-C-A.
Other names: c.306G>T, p.Glu102Asp (NM_001172643.1, NM_001271935.1); c.324G>T, p.Glu108Asp (NM_001172644.2); c.345G>T, p.Glu115Asp (NM_001172645.2); c.252G>T, p.Glu84Asp (NM_001271934.2); c.108G>T, p.Glu36Asp (NM_001272050.2); short protein forms E102D, E108D, E115D, E133D, E36D, E84D.
Identifiers: ClinVar variation 3778840 (VCV003778840.2).